The following is an entry in ClinVar:

ClinVar aggregate classification (germline): Pathogenic (1 of 4 stars; one submission).

Conditions:
Hereditary cancer-predisposing syndrome. Also called: Tumor predisposition; Hereditary Cancer Syndrome; Neoplastic Syndromes, Hereditary; Hereditary neoplastic syndrome. Identifiers: Orphanet 140162, MedGen C0027672, MeSH D009386, MONDO:0015356.

Submission:

Ambry Genetics
Classification: Pathogenic for Hereditary cancer-predisposing syndrome. Last evaluated: 2020-07-01. Review status: criteria provided, single submitter. Criteria: Ambry Variant Classification Scheme 2023. Collection method: clinical testing. Allele origin: germline.
Comment: The c.256delC pathogenic mutation, located in coding exon 1 of the STK11 gene, results from a deletion of one nucleotide at nucleotide position 256, causing a translational frameshift with a predicted alternate stop codon (p.R86Efs*10). This alteration is expected to result in loss of function by premature protein truncation or nonsense-mediated mRNA decay. As such, this alteration is interpreted as a disease-causing mutation.

NM_000455.5(STK11):c.256del (p.Arg86fs)

Gene: STK11 (serine/threonine kinase 11; plus strand). Cytogenetic location: 19p13.3.
Variant type: Deletion.
Coding change: c.256del on transcript NM_000455.5 (MANE Select); coding-DNA position 256, one base deleted (C; older notation c.256delC).
Protein change: p.Arg86fs; shifts the reading frame from arginine 86.
Molecular consequence: frameshift variant.
Genome position (GRCh38, 1-based): chr19:1,207,169, C deleted. VCF-style (leftmost placement, unchanged base first): chr19-1207168-GC-G. GRCh37 (hg19) VCF-style: chr19-1207167-GC-G.
Other names: c.256delC, p.Arg86Glufs (NM_001407255.1); short protein forms R86fs.
Identifiers: ClinVar variation 1793219 (VCV001793219.2), dbSNP rs2512921705, ClinGen allele CA2580096060.